The following is an entry in ClinVar:

NM_020699.4(GATAD2B):c.335+1G>A

Gene: GATAD2B (GATA zinc finger domain containing 2B; minus strand). Cytogenetic location: 1q21.3.
Variant type: single nucleotide variant.
Coding change: c.335+1G>A on transcript NM_020699.4 (MANE Select); the canonical splice donor site of the intron after coding-DNA position 335, G replaced by A.
Molecular consequence: splice donor variant.
Genome position (GRCh38, 1-based): chr1:153,828,012, C>T on the plus strand (G>A on the coding strand, the complement: GATAD2B is on the minus strand). VCF-style: chr1-153828012-C-T. GRCh37 (hg19) VCF-style: chr1-153800488-C-T.
Other names: NC_000001.10:g.153800488C>T.
Identifiers: ClinVar variation 546280 (VCV000546280.4), dbSNP rs1553189681, ClinGen allele CA342539565.

ClinVar aggregate classification (germline): Pathogenic (1 of 4 stars; one submission).

Submissions (2):

GeneDx
Classification: Pathogenic. Last evaluated: 2019-05-12. Review status: criteria provided, single submitter. Criteria: GeneDx Variant Classification Process June 2021. Collection method: clinical testing. Allele origin: germline. Affected: yes.
Comment: Canonical splice site variant in a gene for which loss-of-function is a known mechanism of disease; Not observed in large population cohorts (Lek et al., 2016); Has not been previously published as pathogenic or benign to our knowledge

Dr. Peter K. Rogan Lab, Western University
No classification provided (evidence only). Condition: Glioma susceptibility 1. Review status: no classification provided. Collection method: in vitro. Allele origin: not applicable. Functional consequence: retained intron. Not counted in ClinVar's aggregate classification.